The following is an entry in ClinVar:

NM_001458.5(FLNC):c.5199+1G>A

Gene: FLNC (filamin C; plus strand). Cytogenetic location: 7q32.1.
Variant type: single nucleotide variant.
Coding change: c.5199+1G>A on transcript NM_001458.5 (MANE Select); the canonical splice donor site of the intron after coding-DNA position 5199, G replaced by A.
Molecular consequence: splice donor variant.
Genome position (GRCh38, 1-based): chr7:128,849,579, G>A. VCF-style: chr7-128849579-G-A. GRCh37 (hg19) VCF-style: chr7-128489633-G-A.
Other names: c.5199+1G>A (NM_001127487.2).
Identifiers: ClinVar variation 2446044 (VCV002446044.2), dbSNP rs1465588989, ClinGen allele CA369204430.

ClinVar aggregate classification (germline): Likely pathogenic (1 of 4 stars; one submission).

Conditions:
Hypertrophic cardiomyopathy 26. Also called: Cardiomyopathy, familial hypertrophic, 26. Identifiers: Orphanet 75249, MedGen C4310749, MONDO:0014883, OMIM 617047.

Submission:

Petrovsky National Research Centre of Surgery, The Federal Agency for Scientific Organizations
Classification: Likely pathogenic for Hypertrophic cardiomyopathy 26. Last evaluated: 2023-03-13. Review status: criteria provided, single submitter. Criteria: ACMG Guidelines, 2015. Collection method: clinical testing. Allele origin: germline. Inheritance: Autosomal dominant inheritance. Affected: yes. Observed: 1 heterozygote.
Comment: Genetic variant c.5199+1G>A in the FLNC gene is not present in databases (gnomAD, LOVD). It is predicted to disrupt canonical splice site in mRNA. We assume that this variant could be classified as Likely Pathogenic.